The following is an entry in ClinVar:

ClinVar aggregate classification (germline): Likely pathogenic. Review status: criteria provided, single submitter (1 of 4 stars). 2 submissions from 2 submitters: Likely pathogenic (1). 1 of the submissions does not count toward it. Last evaluated 2022-02-22.

Conditions:
Peroxisome biogenesis disorder 9B. Also called: PEROXISOME BIOGENESIS DISORDER, PEX7-RELATED, ATYPICAL; PEX7-Related Refsum Disease; Refsum disease, adult, 2. Identifiers: Orphanet 773, MedGen C2749346, MONDO:0013945, OMIM 614879.
Rhizomelic chondrodysplasia punctata type 1 (RCDP1). Also called: CHONDRODYSTROPHIA CALCIFICANS PUNCTATA; PEROXISOME BIOGENESIS DISORDER 9; PEX7-Related Rhizomelic Chondrodysplasia Punctata. Identifiers: Orphanet 177, Orphanet 309789, MedGen C1859133, MONDO:0008972, OMIM 215100. Disease mechanism: loss of function.

Submissions (2):

Labcorp Genetics (formerly Invitae), Labcorp
Classification: Likely pathogenic for Peroxisome biogenesis disorder 9B. Last evaluated: 2022-02-22. Review status: criteria provided, single submitter. Criteria: Invitae Variant Classification Sherloc (09022015). Collection method: clinical testing. Allele origin: germline.
Comment: This variant is not present in population databases (gnomAD no frequency). This variant has not been reported in the literature in individuals affected with PEX7-related conditions. ClinVar contains an entry for this variant (Variation ID: 371080). Algorithms developed to predict the effect of sequence changes on RNA splicing suggest that this variant may disrupt the consensus splice site. In summary, the currently available evidence indicates that the variant is pathogenic, but additional data are needed to prove that conclusively. Therefore, this variant has been classified as Likely Pathogenic. This sequence change affects a donor splice site in intron 6 of the PEX7 gene. It is expected to disrupt RNA splicing. Variants that disrupt the donor or acceptor splice site typically lead to a loss of protein function (PMID: 16199547), and loss-of-function variants in PEX7 are known to be pathogenic (PMID: 12325024, 12522768, 20301447).

Counsyl
Classification: Likely pathogenic for Rhizomelic chondrodysplasia punctata type 1. Last evaluated: 2016-06-22. Review status: no assertion criteria provided. Collection method: clinical testing. Allele origin: unknown. Not counted in ClinVar's aggregate classification.

Literature cited by the submitters: PubMed 16199547 (cited by Labcorp Genetics (formerly Invitae), Labcorp); PubMed 12325024 (cited by Labcorp Genetics (formerly Invitae), Labcorp); PubMed 12522768 (cited by Labcorp Genetics (formerly Invitae), Labcorp); PubMed 20301447 (cited by Labcorp Genetics (formerly Invitae), Labcorp).

NM_000288.4(PEX7):c.633+1G>A

Gene: PEX7 (peroxisomal biogenesis factor 7; plus strand). Cytogenetic location: 6q23.3.
Variant type: single nucleotide variant.
Coding change: c.633+1G>A on transcript NM_000288.4 (MANE Select); the canonical splice donor site of the intron after coding-DNA position 633, G replaced by A.
Molecular consequence: splice donor variant.
Genome position (GRCh38, 1-based): chr6:136,866,734, G>A. VCF-style: chr6-136866734-G-A. GRCh37 (hg19) VCF-style: chr6-137187872-G-A.
Other names: c.519+1G>A (NM_001410945.1).
Identifiers: ClinVar variation 371080 (VCV000371080.9), dbSNP rs1057516989, ClinGen allele CA16041017.